The following is an entry in ClinVar:

ClinVar aggregate classification (germline): Pathogenic/Likely pathogenic. Review status: criteria provided, multiple submitters, no conflicts (2 of 4 stars). 8 submissions from 7 submitters: Pathogenic (5); Likely pathogenic (1). 2 of the submissions do not count toward it. Last evaluated 2025-12-26.

Conditions:
Leukodystrophy, hypomyelinating, 12. Identifiers: Orphanet 466934, MedGen C4225247, MONDO:0014732, OMIM 616683.
Leukoencephalopathy. Identifiers: MedGen C0270612, HP:0002352.

Allele frequency attached by ClinVar (database versions not stated): gnomAD 0.00006 and 0.00005; TOPMed 0.00006; ExAC 0.00009; gnomAD exomes 0.00012 and 0.00005.
gnomAD v4.1: 85 of 1,613,916 alleles (0.0053%); highest among the groups gnomAD compares: Non-Finnish European, 0.00093%; no homozygotes.

Submissions (8):

Labcorp Genetics (formerly Invitae), Labcorp
Classification: Pathogenic. Last evaluated: 2025-12-26. Review status: criteria provided, single submitter. Criteria: Invitae Variant Classification Sherloc (09022015). Collection method: clinical testing. Allele origin: germline.
Comment: This sequence change replaces cysteine, which is neutral and slightly polar, with glycine, which is neutral and non-polar, at codon 846 of the VPS11 protein (p.Cys846Gly). This variant is present in population databases (rs34757931, gnomAD 0.2%). This missense change has been observed in individuals with clinical features of VPS11-related conditions (PMID: 26307567, 27120463). It has also been observed to segregate with disease in related individuals. ClinVar contains an entry for this variant (Variation ID: 218366). Invitae Evidence Modeling of protein sequence and biophysical properties (such as structural, functional, and spatial information, amino acid conservation, physicochemical variation, residue mobility, and thermodynamic stability) indicates that this missense variant is expected to disrupt VPS11 protein function with a positive predictive value of 80%. Experimental studies have shown that this missense change affects VPS11 function (PMID: 26307567, 27120463). For these reasons, this variant has been classified as Pathogenic.

Daryl Scott Lab, Baylor College of Medicine
Classification: Pathogenic for Leukodystrophy, hypomyelinating, 12. Last evaluated: 2025-08-25. Review status: criteria provided, single submitter. Criteria: ACMG Guidelines, 2015. Collection method: clinical testing. Allele origin: biparental. Affected: yes.
Comment: PS3, PS4, PM3, PP1, PP3

GeneDx
Classification: Pathogenic. Last evaluated: 2025-01-31. Review status: criteria provided, single submitter. Criteria: GeneDx Variant Classification Process June 2021. Collection method: clinical testing. Allele origin: germline. Affected: yes.
Comment: Published functional studies demonstrate a damaging effect: decreased protein stability compared to wildtype (PMID: 27120463); In silico analysis supports that this missense variant has a deleterious effect on protein structure/function; This variant is associated with the following publications: (PMID: 26307567, 31092635, 27120463, 27473128, 29431110, 31980526)

Women's Health and Genetics/Laboratory Corporation of America, LabCorp
Classification: Pathogenic for Leukodystrophy, hypomyelinating, 12. Last evaluated: 2024-05-06. Review status: criteria provided, single submitter. Criteria: LabCorp Variant Classification Summary - May 2015. Collection method: clinical testing. Allele origin: germline.
Comment: Variant summary: VPS11 c.2533T>G/p.Cys845Gly (also known as c.2536T>G/p.Cys846Gly in Refseq) results in a non-conservative amino acid change in the encoded protein sequence. Three of three in-silico tools predict a damaging effect of the variant on protein function. The variant allele was found at a frequency of 0.00012 in 249276 control chromosomes. c.2533T>G has been reported in the literature in multiple individuals affected with Hypomyelinating Leukodystrophy 12. These data indicate that the variant is very likely to be associated with disease. ClinVar contains an entry for this variant (Variation ID: 218366). Based on the evidence outlined above, the variant was classified as pathogenic.

Broad Center for Mendelian Genomics, Broad Institute of MIT and Harvard
Classification: Likely pathogenic for Leukodystrophy, hypomyelinating, 12. Last evaluated: 2020-11-16. Review status: criteria provided, single submitter. Criteria: ACMG Guidelines, 2015. Collection method: curation. Allele origin: germline. Inheritance: Autosomal recessive inheritance.
Comment: The variant has been reported in 13 Ashkenazi Jewish individuals with hypomyelinating leukodystrophy 12 (PMID: 26307567, 27120463), segregated with disease in 6 affected relatives from 4 families (PMID: 26307567, 27120463). This variant has been identified in 0.26% (27/10352) of Ashkenazi Jewish chromosomes by the Genome Aggregation Database (gnomAD; dbSNP ID: rs34757931). Although this variant has been seen in the general population, its frequency is not high enough to rule out a pathogenic role. This variant has also been reported in ClinVar (Variation ID: 218366) as pathogenic by Baylor Genetics and OMIM. Of the 14 affected individuals, all of them were homozygotes, which increases the likelihood that the p.Cys846Gly variant is pathogenic (PMID: 26307567, 27120463). In vitro functional studies provide some evidence that the p.Cys846Gly variant may impact protein function (PMID: 26307567, 27120463, 32316234). However, these types of assays may not accurately represent biological function. Computational prediction tools and conservation analyses suggest that this variant may impact the protein, though this information is not predictive enough to determine pathogenicity. In summary, although additional studies are required to fully establish its clinical significance, this variant is likely pathogenic. ACMG/AMP Criteria applied: PP1_strong, PM3, PP3, PS3_moderate (Richards 2015).

Baylor Genetics
Classification: Pathogenic for Leukodystrophy, hypomyelinating, 12. Last evaluated: 2019-10-04. Review status: criteria provided, single submitter. Criteria: ACMG Guidelines, 2015. Collection method: clinical testing. Allele origin: unknown. Affected: yes.
Comment: This variant was determined to be pathogenic according to ACMG Guidelines, 2015 [PMID:25741868]. This variant has been reported at the homozygous state in multiple patients from Ashkenazi Jewish descent [PMID 26307567]

Baylor Genetics
Classification: Pathogenic for Leukoencephalopathy. Last evaluated: 2015-12-17. Review status: no assertion criteria provided. Collection method: research, clinical testing. Allele origin: germline. Inheritance: Autosomal recessive inheritance. Affected: yes and no. Observed: 1 heterozygote, 5 homozygotes. Clinical features observed: Severe global developmental delay (HP:0011344), Generalized hypotonia (HP:0001290), Leukoencephalopathy (HP:0002352), Hypoplasia of the corpus callosum (HP:0002079), Generalized tonic-clonic seizures (HP:0002069), Cortical visual impairment (HP:0100704), Hearing impairment (HP:0000365), Neurogenic bladder (HP:0000011), Microcephaly (HP:0000252), Multiple joint contractures (HP:0002828), Febrile seizures (HP:0002373), Dysphagia (HP:0002015), and 14 more. Segregation with disease observed. Not counted in ClinVar's aggregate classification.
Comment: We identified it, homozygous, in 5 affected individuals in 3 Ashkenazi Jewish families.

OMIM
Classification: Pathogenic for LEUKODYSTROPHY, HYPOMYELINATING, 12. Last evaluated: 2015-11-01. Review status: no assertion criteria provided. Collection method: literature only. Allele origin: germline. Not counted in ClinVar's aggregate classification.

Literature cited by the submitters: PubMed 26307567 (cited by 4 submitters); PubMed 27120463 (cited by 4 submitters); PubMed 32316234 (cited by Broad Center for Mendelian Genomics, Broad Institute of MIT and Harvard).

NM_021729.6(VPS11):c.2536T>G (p.Cys846Gly)

Gene: VPS11 (VPS11 core subunit of CORVET and HOPS complexes; plus strand). Cytogenetic location: 11q23.3.
Variant type: single nucleotide variant.
Coding change: c.2536T>G on transcript NM_021729.6 (MANE Select); coding-DNA position 2536, T replaced by G.
Protein change: p.Cys846Gly; replaces cysteine 846 with glycine.
Molecular consequence: missense variant. On other transcripts: non-coding transcript variant (8).
Genome position (GRCh38, 1-based): chr11:119,081,189, T>G. VCF-style: chr11-119081189-T-G. GRCh37 (hg19) VCF-style: chr11-118951899-T-G.
Other names: c.2536T>G (NM_021729.5); c.2506T>G, p.Cys836Gly (NM_001290185.2); c.2548T>G, p.Cys850Gly (NM_001378218.1, NM_001378219.1); c.2521T>G, p.Cys841Gly (NM_001378220.1); c.2518T>G, p.Cys840Gly (NM_001378221.1); short protein forms C846G, C836G, C840G, C841G, C850G.
Identifiers: ClinVar variation 218366 (VCV000218366.15), dbSNP rs34757931, ClinGen allele CA280077.
Genomic context (GRCh38, chr11:119,081,189, plus strand): 5'-AACAGTGCCTTGGAGTTGCCCTCAGTCCACTTCCTGTGTGGCCACTCCTTCCACCAACAC[T>G]GCTTTGAGAGTTACTCGGAAAGTGATGCTGACTGCCCCACCTGCCTCCCTGAAAACCGGA-3'
Protein context (NP_068375.3, residues 836-856): FLCGHSFHQH[Cys846Gly]FESYSESDAD